The following is an entry in ClinVar:

NM_020964.3(EPG5):c.4356G>A (p.Met1452Ile)

Gene: EPG5 (ectopic P-granules 5 autophagy tethering factor; minus strand). Cytogenetic location: 18q21.1.
Variant type: single nucleotide variant.
Coding change: c.4356G>A on transcript NM_020964.3 (MANE Select); coding-DNA position 4356, G replaced by A.
Protein change: p.Met1452Ile; replaces methionine 1452 with isoleucine.
Molecular consequence: missense variant.
Genome position (GRCh38, 1-based): chr18:45,904,091, C>T on the plus strand (G>A on the coding strand, the complement: EPG5 is on the minus strand). VCF-style: chr18-45904091-C-T. GRCh37 (hg19) VCF-style: chr18-43484056-C-T.
Other names: short protein forms M1452I.
Identifiers: ClinVar variation 1499850 (VCV001499850.8), dbSNP rs2145611526, ClinGen allele CA402338558.

ClinVar aggregate classification (germline): Uncertain significance (1 of 4 stars; one submission).

Conditions:
Vici syndrome (VICIS). Identifiers: Orphanet 1493, MedGen C1855772, MONDO:0009452, OMIM 242840.

Submission:

Labcorp Genetics (formerly Invitae), Labcorp
Classification: Uncertain significance for Vici syndrome. Last evaluated: 2025-09-14. Review status: criteria provided, single submitter. Criteria: Invitae Variant Classification Sherloc (09022015). Collection method: clinical testing. Allele origin: germline.
Comment: This sequence change replaces methionine, which is neutral and non-polar, with isoleucine, which is neutral and non-polar, at codon 1452 of the EPG5 protein (p.Met1452Ile). This variant is not present in population databases (gnomAD no frequency). This variant has not been reported in the literature in individuals affected with EPG5-related conditions. ClinVar contains an entry for this variant (Variation ID: 1499850). Invitae Evidence Modeling of protein sequence and biophysical properties (such as structural, functional, and spatial information, amino acid conservation, physicochemical variation, residue mobility, and thermodynamic stability) indicates that this missense variant is not expected to disrupt EPG5 protein function with a negative predictive value of 80%. In summary, the available evidence is currently insufficient to determine the role of this variant in disease. Therefore, it has been classified as a Variant of Uncertain Significance.